The following is an entry in ClinVar:

NM_004104.5(FASN):c.1408T>A (p.Tyr470Asn)

Gene: FASN (fatty acid synthase; minus strand). Cytogenetic location: 17q25.3.
Variant type: single nucleotide variant.
Coding change: c.1408T>A on transcript NM_004104.5 (MANE Select); coding-DNA position 1408, T replaced by A.
Protein change: p.Tyr470Asn; replaces tyrosine 470 with asparagine.
Molecular consequence: missense variant.
Genome position (GRCh38, 1-based): chr17:82,091,306, A>T on the plus strand (T>A on the coding strand, the complement: FASN is on the minus strand). VCF-style: chr17-82091306-A-T. GRCh37 (hg19) VCF-style: chr17-80049182-A-T.
Other names: short protein forms Y470N.
Identifiers: ClinVar variation 1508686 (VCV001508686.8), dbSNP rs777106829, ClinGen allele CA8853174.

ClinVar aggregate classification (germline): Uncertain significance (1 of 4 stars; one submission).

Conditions:
Epileptic encephalopathy. Identifiers: MedGen C0543888, HP:0200134.

Allele frequency attached by ClinVar (database versions not stated): gnomAD exomes below 0.00001; ExAC 0.00001.
gnomAD v4.1: 3 of 1,610,846 alleles (0.00019%); highest among the groups gnomAD compares: Non-Finnish European, 0.00017%; no homozygotes.

Submission:

Labcorp Genetics (formerly Invitae), Labcorp
Classification: Uncertain significance for Epileptic encephalopathy. Last evaluated: 2025-02-03. Review status: criteria provided, single submitter. Criteria: Invitae Variant Classification Sherloc (09022015). Collection method: clinical testing. Allele origin: germline.
Comment: This sequence change replaces tyrosine, which is neutral and polar, with asparagine, which is neutral and polar, at codon 470 of the FASN protein (p.Tyr470Asn). The frequency data for this variant in the population databases is considered unreliable, as metrics indicate poor data quality at this position in the gnomAD database. This variant has not been reported in the literature in individuals affected with FASN-related conditions. ClinVar contains an entry for this variant (Variation ID: 1508686). An algorithm developed to predict the effect of missense changes on protein structure and function (PolyPhen-2) suggests that this variant is likely to be disruptive. In summary, the available evidence is currently insufficient to determine the role of this variant in disease. Therefore, it has been classified as a Variant of Uncertain Significance.